The following is an entry in ClinVar:

ClinVar aggregate classification (germline): Uncertain significance (1 of 4 stars; one submission).

Conditions:
Familial sleep-related hypermotor epilepsy. Also called: Autosomal Dominant Sleep-Related Hypermotor (Hyperkinetic) Epilepsy. Identifiers: Orphanet 98784, MedGen C3696898, MONDO:0000030.

Submission:

Labcorp Genetics (formerly Invitae), Labcorp
Classification: Uncertain significance. Last evaluated: 2021-12-24. Review status: criteria provided, single submitter. Criteria: Invitae Variant Classification Sherloc (09022015). Collection method: clinical testing. Allele origin: germline.
Comment: This sequence change replaces lysine, which is basic and polar, with glutamine, which is neutral and polar, at codon 377 of the CHRNA4 protein (p.Lys377Gln). This variant is not present in population databases (gnomAD no frequency). This variant has not been reported in the literature in individuals affected with CHRNA4-related conditions. Algorithms developed to predict the effect of missense changes on protein structure and function are either unavailable or do not agree on the potential impact of this missense change (SIFT: "Tolerated"; PolyPhen-2: "Possibly Damaging"; Align-GVGD: "Class C0"). In summary, the available evidence is currently insufficient to determine the role of this variant in disease. Therefore, it has been classified as a Variant of Uncertain Significance.

NM_000744.7(CHRNA4):c.1129A>C (p.Lys377Gln)

Gene: CHRNA4 (cholinergic receptor nicotinic alpha 4 subunit; minus strand). Cytogenetic location: 20q13.33.
Variant type: single nucleotide variant.
Coding change: c.1129A>C on transcript NM_000744.7 (MANE Select); coding-DNA position 1129, A replaced by C.
Protein change: p.Lys377Gln; replaces lysine 377 with glutamine.
Molecular consequence: missense variant. On other transcripts: non-coding transcript variant (1).
Genome position (GRCh38, 1-based): chr20:63,350,282, T>G on the plus strand (A>C on the coding strand, the complement: CHRNA4 is on the minus strand). VCF-style: chr20-63350282-T-G. GRCh37 (hg19) VCF-style: chr20-61981634-T-G.
Other names: c.601A>C, p.Lys201Gln (NM_001256573.2); short protein forms K201Q, K377Q.
Identifiers: ClinVar variation 2058784 (VCV002058784.4), dbSNP rs1237765239, ClinGen allele CA409634423.